The following is an entry in ClinVar:

ClinVar aggregate classification (germline): Uncertain significance. Review status: criteria provided, multiple submitters, no conflicts (2 of 4 stars). 3 submissions from 3 submitters: Uncertain significance (3). Last evaluated 2026-04-29.

Conditions:
Cardiovascular phenotype. Identifiers: MedGen CN230736.
Osteogenesis imperfecta type I (OI1). Also called: OI, TYPE I; OSTEOGENESIS IMPERFECTA TARDA; OSTEOGENESIS IMPERFECTA WITH BLUE SCLERAE; Osteogenesis imperfecta type 1; Lobstein's Disease; Lobstein disease. Identifiers: Orphanet 216796, Orphanet 666, MedGen C0023931, MONDO:0008146, OMIM 166200. Disease mechanism: loss of function.

Allele frequency attached by ClinVar (database versions not stated): gnomAD exomes below 0.00001.
gnomAD v4.1: 1 of 1,613,950 alleles (0.000062%); highest among the groups gnomAD compares: East Asian, 0.0022%; no homozygotes.

Submissions (3):

Ambry Genetics
Classification: Uncertain significance for Cardiovascular phenotype. Last evaluated: 2026-04-29. Review status: criteria provided, single submitter. Criteria: Ambry Variant Classification Scheme 2023. Collection method: clinical testing. Allele origin: germline.
Comment: The p.Y1429H variant (also known as c.4285T>C), located in coding exon 51 of the COL1A1 gene, results from a T to C substitution at nucleotide position 4285. The tyrosine at codon 1429 is replaced by histidine, an amino acid with similar properties. This amino acid position is highly conserved in available vertebrate species. In addition, this alteration is predicted to be deleterious by in silico analysis. Based on the available evidence, the clinical significance of this variant remains unclear.

Mayo Clinic Laboratories, Mayo Clinic
Classification: Uncertain significance. Last evaluated: 2022-12-06. Review status: criteria provided, single submitter. Criteria: ACMG Guidelines, 2015. Collection method: clinical testing. Allele origin: germline. Observed: 1 variant allele.
Comment: PP2, PP3, PM2_supporting

Labcorp Genetics (formerly Invitae), Labcorp
Classification: Uncertain significance for Osteogenesis imperfecta type I. Last evaluated: 2022-03-04. Review status: criteria provided, single submitter. Criteria: Invitae Variant Classification Sherloc (09022015). Collection method: clinical testing. Allele origin: germline.
Comment: This sequence change replaces tyrosine, which is neutral and polar, with histidine, which is basic and polar, at codon 1429 of the COL1A1 protein (p.Tyr1429His). This variant is not present in population databases (gnomAD no frequency). This variant has not been reported in the literature in individuals affected with COL1A1-related conditions. Algorithms developed to predict the effect of missense changes on protein structure and function are either unavailable or do not agree on the potential impact of this missense change (SIFT: "Deleterious"; PolyPhen-2: "Not Available"; Align-GVGD: "Class C0"). In summary, the available evidence is currently insufficient to determine the role of this variant in disease. Therefore, it has been classified as a Variant of Uncertain Significance.

NM_000088.4(COL1A1):c.4285T>C (p.Tyr1429His)

Gene: COL1A1 (collagen type I alpha 1 chain; minus strand). Cytogenetic location: 17q21.33.
Variant type: single nucleotide variant.
Coding change: c.4285T>C on transcript NM_000088.4 (MANE Select); coding-DNA position 4285, T replaced by C.
Protein change: p.Tyr1429His; replaces tyrosine 1429 with histidine.
Molecular consequence: missense variant.
Genome position (GRCh38, 1-based): chr17:50,185,612, A>G on the plus strand (T>C on the coding strand, the complement: COL1A1 is on the minus strand). VCF-style: chr17-50185612-A-G. GRCh37 (hg19) VCF-style: chr17-48262973-A-G.
Other names: p.Tyr1429His; short protein forms Y1429H.
Identifiers: ClinVar variation 1918321 (VCV001918321.7), dbSNP rs1906431660, ClinGen allele CA400190631.